The following is an entry in ClinVar:

ClinVar aggregate classification (germline): Uncertain significance (1 of 4 stars; one submission).

Submission:

Ambry Genetics
Classification: Uncertain significance. Last evaluated: 2022-07-11. Review status: criteria provided, single submitter. Criteria: Ambry Variant Classification Scheme 2023. Collection method: clinical testing. Allele origin: germline.
Comment: The p.S184F variant (also known as c.551C>T), located in coding exon 1 of the MLH3 gene, results from a C to T substitution at nucleotide position 551. The serine at codon 184 is replaced by phenylalanine, an amino acid with highly dissimilar properties. This amino acid position is conserved. In addition, this alteration is predicted to be deleterious by in silico analysis. Since supporting evidence is limited at this time, the clinical significance of this alteration remains unclear.

NM_001040108.2(MLH3):c.551C>T (p.Ser184Phe)

Gene: MLH3 (mutL homolog 3; minus strand). Cytogenetic location: 14q24.3.
Variant type: single nucleotide variant.
Coding change: c.551C>T on transcript NM_001040108.2 (MANE Select); coding-DNA position 551, C replaced by T.
Protein change: p.Ser184Phe; replaces serine 184 with phenylalanine.
Molecular consequence: missense variant.
Genome position (GRCh38, 1-based): chr14:75,049,105, G>A on the plus strand (C>T on the coding strand, the complement: MLH3 is on the minus strand). VCF-style: chr14-75049105-G-A. GRCh37 (hg19) VCF-style: chr14-75515808-G-A.
Other names: c.551C>T, p.Ser184Phe (NM_014381.3); short protein forms S184F.
Identifiers: ClinVar variation 1748072 (VCV001748072.2), dbSNP rs2503324213, ClinGen allele CA390449909.